The following is an entry in ClinVar:

NM_001377137.1(GBF1):c.4494C>T (p.Asp1498=)

Gene: GBF1 (golgi brefeldin A resistant guanine nucleotide exchange factor 1; plus strand). Cytogenetic location: 10q24.32.
Variant type: single nucleotide variant.
Coding change: c.4494C>T on transcript NM_001377137.1 (MANE Select); coding-DNA position 4494, C replaced by T.
Protein change: p.Asp1498=; no amino-acid change (aspartic acid 1498 retained).
Molecular consequence: synonymous variant. On other transcripts: non-coding transcript variant (4), intron variant (13).
Genome position (GRCh38, 1-based): chr10:102,377,140, C>T. VCF-style: chr10-102377140-C-T. GRCh37 (hg19) VCF-style: chr10-104136897-C-T.
Other names: c.4197C>T, p.Asp1399= (NM_001377139.1); c.4491C>T, p.Asp1497= (NM_001377141.1, NM_004193.3); c.4455C>T, p.Asp1485= (NM_001391925.1); c.4566C>T, p.Asp1522= (NM_001411003.1); c.4590C>T, p.Asp1530= (NM_001411027.1); c.4479+12C>T (NM_001391924.1, NM_001199379.2, NM_001391927.1 and 1 more transcripts); c.4482+12C>T (NM_001391923.1, NM_001199378.2); c.4578+12C>T (NM_001391922.1); and 6 more.
Identifiers: ClinVar variation 3251941 (VCV003251941.1), dbSNP rs138373886.
Genomic context (GRCh38, chr10:102,377,140, plus strand): 5'-TGATGAGGACGAAGGCGTGCCTGCCAGCTACCATACGGTGTCTTTACAGGTCAGTCAGGA[C>T]GTAAGTATGGCACCCTTTACTTCCTCTCCTCCCCTGCACCTGATACTGGGAGCCTGGGGC-3'
Protein context (NP_001364066.1, residues 1488-1508): YHTVSLQVSQ[Asp1498=]LLDLMHTLHT

ClinVar aggregate classification (germline): Uncertain significance (1 of 4 stars; one submission).

Conditions:
Charcot-Marie-Tooth Disease, axonal, type 2GG (CMT2GG). Also called: Charcot-Marie-Tooth disease dominant intermediate II; Charcot-Marie-Tooth neuropathy, type 2GG; Charcot-Marie-Tooth neuropathy, axonal, type 2GG. Identifiers: Orphanet 100043, MedGen C5561933, MONDO:0011675, OMIM 606483.

Allele frequency attached by ClinVar (database versions not stated): ExAC 0.00002; TOPMed 0.00003; gnomAD 0.00005; ESP Exome Variant Server 0.00008.
gnomAD v4.1: 70 of 1,610,590 alleles (0.0043%); highest among the groups gnomAD compares: Middle Eastern, 0.017%; no homozygotes.

Submission:

Institute of Immunology and Genetics Kaiserslautern
Classification: Uncertain significance for Charcot-Marie-Tooth Disease, axonal, type 2GG. Last evaluated: 2024-06-27. Review status: criteria provided, single submitter. Criteria: ACMG Guidelines, 2015. Collection method: clinical testing. Allele origin: germline. Affected: yes.
Comment: ACMG Criteria: PM2_P, PP3; Variant was found in heterozygous state